The following is an entry in ClinVar:

NM_003072.5(SMARCA4):c.3559C>T (p.Gln1187Ter)

Gene: SMARCA4 (SWI/SNF related BAF chromatin remodeling complex subunit ATPase 4; plus strand). Cytogenetic location: 19p13.2.
Variant type: single nucleotide variant.
Coding change: c.3559C>T on transcript NM_003072.5 (MANE Select); coding-DNA position 3559, C replaced by T.
Protein change: p.Gln1187Ter; replaces glutamine 1187 with a stop codon.
Molecular consequence: nonsense. On other transcripts: non-coding transcript variant (1).
Genome position (GRCh38, 1-based): chr19:11,033,302, C>T. VCF-style: chr19-11033302-C-T. GRCh37 (hg19) VCF-style: chr19-11143978-C-T.
Other names: c.3559C>T, p.Gln1187Ter (NM_001128844.3, NM_001128845.2, NM_001128846.2 and 4 more transcripts); short protein forms Q1187*.
Identifiers: ClinVar variation 823926 (VCV000823926.13), dbSNP rs1600389034, ClinGen allele CA404065129.

ClinVar aggregate classification (germline): Pathogenic. Review status: criteria provided, multiple submitters, no conflicts (2 of 4 stars). 2 submissions from 2 submitters: Pathogenic (2). Last evaluated 2026-02-05.

Conditions:
Rhabdoid tumor predisposition syndrome 2 (RTPS2). Identifiers: Orphanet 231108, Orphanet 69077, MedGen C2750074, MONDO:0013224, OMIM 613325.
Hereditary cancer-predisposing syndrome. Also called: Hereditary Cancer Syndrome; Tumor predisposition; Neoplastic Syndromes, Hereditary; Hereditary neoplastic syndrome. Identifiers: Orphanet 140162, MedGen C0027672, MeSH D009386, MONDO:0015356.

Submissions (2):

Ambry Genetics
Classification: Pathogenic for Hereditary cancer-predisposing syndrome. Last evaluated: 2026-02-05. Review status: criteria provided, single submitter. Criteria: Ambry Variant Classification Scheme 2023. Collection method: clinical testing. Allele origin: germline.
Comment: The p.Q1187* pathogenic mutation (also known as c.3559C>T), located in coding exon 25 of the SMARCA4 gene, results from a C to T substitution at nucleotide position 3559. This changes the amino acid from a glutamine to a stop codon within coding exon 25. This variant is considered to be rare based on population cohorts in the Genome Aggregation Database (gnomAD). This alteration is expected to result in loss of function by premature protein truncation or nonsense-mediated mRNA decay. Loss-of-function variants in SMARCA4 are known to cause rhabdoid tumor predisposition syndrome including small cell carcinoma of the ovary-hypercalcemic type (SCCOHT); however, such associations with neurodevelopmental disorders are exceedingly rare (Kosho T et al. Am J Med Genet C Semin Med Genet. 2014 Sep;166C(3):262-75; Jelinic P et al. Nat Genet. 2014 May;46(5):424-6). Based on the supporting evidence, this alteration is pathogenic for rhabdoid tumor predisposition syndrome; however, the association of this alteration with Coffin-Siris syndrome is unlikely.

Labcorp Genetics (formerly Invitae), Labcorp
Classification: Pathogenic for Rhabdoid tumor predisposition syndrome 2. Last evaluated: 2025-07-30. Review status: criteria provided, single submitter. Criteria: Invitae Variant Classification Sherloc (09022015). Collection method: clinical testing. Allele origin: germline.
Comment: This sequence change creates a premature translational stop signal (p.Gln1187*) in the SMARCA4 gene. It is expected to result in an absent or disrupted protein product. Loss-of-function variants in SMARCA4 are known to be pathogenic (PMID: 24658001, 24658002). This variant is not present in population databases (gnomAD no frequency). This variant has not been reported in the literature in individuals affected with SMARCA4-related conditions. ClinVar contains an entry for this variant (Variation ID: 823926). For these reasons, this variant has been classified as Pathogenic.

Literature cited by the submitters: PubMed 24658001 (cited by Labcorp Genetics (formerly Invitae), Labcorp); PubMed 24658002 (cited by Labcorp Genetics (formerly Invitae), Labcorp).